The following is an entry in ClinVar:

NM_015072.5(TTLL5):c.865G>A (p.Asp289Asn)

Gene: TTLL5 (tubulin tyrosine ligase like 5; plus strand). Cytogenetic location: 14q24.3.
Variant type: single nucleotide variant.
Coding change: c.865G>A on transcript NM_015072.5 (MANE Select); coding-DNA position 865, G replaced by A.
Protein change: p.Asp289Asn; replaces aspartic acid 289 with asparagine.
Molecular consequence: missense variant.
Genome position (GRCh38, 1-based): chr14:75,719,757, G>A. VCF-style: chr14-75719757-G-A. GRCh37 (hg19) VCF-style: chr14-76186100-G-A.
Other names: short protein forms D289N.
Identifiers: ClinVar variation 1345631 (VCV001345631.8), dbSNP rs754224109, ClinGen allele CA7279142.

ClinVar aggregate classification (germline): Uncertain significance (1 of 4 stars; one submission).

Allele frequency attached by ClinVar (database versions not stated): gnomAD exomes below 0.00001; ExAC 0.00001.
gnomAD v4.1: 1 of 1,612,188 alleles (0.000062%); highest among the groups gnomAD compares: South Asian, 0.0011%; no homozygotes.

Submission:

Labcorp Genetics (formerly Invitae), Labcorp
Classification: Uncertain significance. Last evaluated: 2020-11-10. Review status: criteria provided, single submitter. Criteria: Invitae Variant Classification Sherloc (09022015). Collection method: clinical testing. Allele origin: germline.
Comment: This sequence change replaces aspartic acid with asparagine at codon 289 of the TTLL5 protein (p.Asp289Asn). The aspartic acid residue is highly conserved and there is a small physicochemical difference between aspartic acid and asparagine. This variant is present in population databases (rs754224109, ExAC 0.006%). This variant has not been reported in the literature in individuals with TTLL5-related conditions. Algorithms developed to predict the effect of missense changes on protein structure and function are either unavailable or do not agree on the potential impact of this missense change (SIFT: "Deleterious"; PolyPhen-2: "Possibly Damaging"; Align-GVGD: "Class C15"). In summary, the available evidence is currently insufficient to determine the role of this variant in disease. Therefore, it has been classified as a Variant of Uncertain Significance.